The following is an entry in ClinVar:

NM_006306.4(SMC1A):c.372G>C (p.Leu124Phe)

Gene: SMC1A (structural maintenance of chromosomes 1A; minus strand). Cytogenetic location: Xp11.22.
Variant type: single nucleotide variant.
Coding change: c.372G>C on transcript NM_006306.4 (MANE Select); coding-DNA position 372, G replaced by C.
Protein change: p.Leu124Phe; replaces leucine 124 with phenylalanine.
Molecular consequence: missense variant.
Genome position (GRCh38, 1-based): chrX:53,414,797, C>G on the plus strand (G>C on the coding strand, the complement: SMC1A is on the minus strand). VCF-style: chrX-53414797-C-G. GRCh37 (hg19) VCF-style: chrX-53441746-C-G.
Other names: c.306G>C, p.Leu102Phe (NM_001281463.1); short protein forms L102F, L124F.
Identifiers: ClinVar variation 793222 (VCV000793222.12), dbSNP rs148835205, ClinGen allele CA10420678.

ClinVar aggregate classification (germline): Likely benign. Review status: criteria provided, multiple submitters, no conflicts (2 of 4 stars). 5 submissions from 5 submitters: Likely benign (3). 2 of the submissions do not count toward it. Last evaluated 2025-04-07.

Conditions:
SMC1A-related disorder. Also called: SMC1A-related condition.
Congenital muscular hypertrophy-cerebral syndrome (CDLS2). Also called: SMC1A-Related Cornelia de Lange Syndrome; Cornelia de Lange syndrome 2. Identifiers: Orphanet 199, MedGen C1802395, MONDO:0010370, OMIM 300590.
Developmental and epileptic encephalopathy, 85, with or without midline brain defects. Also called: EPILEPTIC ENCEPHALOPATHY, EARLY INFANTILE, 85, WITH OR WITHOUT MIDLINE BRAIN DEFECTS. Identifiers: MedGen C5393312, MONDO:0026771, OMIM 301044.

Allele frequency attached by ClinVar (database versions not stated): gnomAD exomes 0.00002 and 0.00003; TOPMed 0.00005; gnomAD 0.00006 and 0.00007; ESP Exome Variant Server 0.00009.
gnomAD v4.1: 32 of 1,207,161 alleles (0.0027%); highest among the groups gnomAD compares: Non-Finnish European, 0.0035%; no homozygotes.

Submissions (5):

Labcorp Genetics (formerly Invitae), Labcorp
Classification: Likely benign for Congenital muscular hypertrophy-cerebral syndrome. Last evaluated: 2025-04-07. Review status: criteria provided, single submitter. Criteria: Invitae Variant Classification Sherloc (09022015). Collection method: clinical testing. Allele origin: germline.

PreventionGenetics, part of Exact Sciences
Classification: Likely benign for SMC1A-related condition. Last evaluated: 2025-01-08. Review status: criteria provided, single submitter. Criteria: ACMG Guidelines, 2015. Collection method: clinical testing. Allele origin: germline.
Comment: This variant is classified as likely benign based on ACMG/AMP sequence variant interpretation guidelines (Richards et al. 2015 PMID: 25741868, with internal and published modifications).

Fulgent Genetics
Classification: Likely benign for Congenital muscular hypertrophy-cerebral syndrome; Developmental and epileptic encephalopathy, 85, with or without midline brain defects. Last evaluated: 2022-05-18. Review status: criteria provided, single submitter. Criteria: ACMG Guidelines, 2015. Collection method: clinical testing. Allele origin: unknown.

Clinical Genetics DNA and cytogenetics Diagnostics Lab, Erasmus MC, Erasmus Medical Center
Classification: Likely benign. Review status: no assertion criteria provided. Collection method: clinical testing. Allele origin: germline. Affected: yes. Study: VKGL Data-share Consensus. Not counted in ClinVar's aggregate classification.

Diagnostic Laboratory, Department of Genetics, University Medical Center Groningen
Classification: Likely benign. Review status: no assertion criteria provided. Collection method: clinical testing. Allele origin: germline. Affected: yes. Study: VKGL Data-share Consensus. Not counted in ClinVar's aggregate classification.